The following is an entry in ClinVar:

NM_001128159.3(VPS53):c.470G>A (p.Gly157Glu)

Gene: VPS53 (VPS53 subunit of GARP complex; minus strand). Cytogenetic location: 17p13.3.
Variant type: single nucleotide variant.
Coding change: c.470G>A on transcript NM_001128159.3 (MANE Select); coding-DNA position 470, G replaced by A.
Protein change: p.Gly157Glu; replaces glycine 157 with glutamic acid.
Molecular consequence: missense variant. On other transcripts: 5 prime UTR variant (1).
Genome position (GRCh38, 1-based): chr17:655,856, C>T on the plus strand (G>A on the coding strand, the complement: VPS53 is on the minus strand). VCF-style: chr17-655856-C-T. GRCh37 (hg19) VCF-style: chr17-559096-C-T.
Other names: c.470G>A, p.Gly157Glu (NM_001366253.2); c.-223G>A (NM_001366254.2); c.383G>A, p.Gly128Glu (NM_018289.4); short protein forms G128E, G157E.
Identifiers: ClinVar variation 3361008 (VCV003361008.1).

ClinVar aggregate classification (germline): Uncertain significance (1 of 4 stars; one submission).

Submission:

GeneDx
Classification: Uncertain significance. Last evaluated: 2023-08-01. Review status: criteria provided, single submitter. Criteria: GeneDx Variant Classification Process June 2021. Collection method: clinical testing. Allele origin: germline. Affected: yes.
Comment: Not observed at significant frequency in large population cohorts (gnomAD); In silico analysis supports that this missense variant has a deleterious effect on protein structure/function; Has not been previously published as pathogenic or benign to our knowledge